The following is an entry in ClinVar:

ClinVar aggregate classification (germline): Pathogenic (1 of 4 stars; one submission).

Conditions:
Early-infantile DEE. Also called: Ohtahara syndrome; Early infantile epileptic encephalopathy with suppression bursts; Early infantile epileptic encephalopathy. Identifiers: Orphanet 1934, MedGen C0393706, MONDO:0800491.

Submission:

Labcorp Genetics (formerly Invitae), Labcorp
Classification: Pathogenic for Early-infantile DEE. Last evaluated: 2020-08-25. Review status: criteria provided, single submitter. Criteria: Invitae Variant Classification Sherloc (09022015). Collection method: clinical testing. Allele origin: germline.
Comment: For these reasons, this variant has been classified as Pathogenic. Loss-of-function variants in SCN1A are known to be pathogenic (PMID: 17347258, 18930999). This variant has not been reported in the literature in individuals with SCN1A-related conditions. This variant is not present in population databases (ExAC no frequency). This sequence change creates a premature translational stop signal (p.Ala963Leufs*11) in the SCN1A gene. It is expected to result in an absent or disrupted protein product.

Literature cited by the submitters: PubMed 17347258; PubMed 18930999.

NM_001165963.4(SCN1A):c.2887del (p.Ala963fs)

Gene: SCN1A (sodium voltage-gated channel alpha subunit 1; minus strand). Cytogenetic location: 2q24.3.
Variant type: Deletion.
Coding change: c.2887del on transcript NM_001165963.4 (MANE Select); coding-DNA position 2887, one base deleted (G; older notation c.2887delG).
Protein change: p.Ala963fs; shifts the reading frame from alanine 963.
Molecular consequence: frameshift variant. On other transcripts: non-coding transcript variant (1).
Genome position (GRCh38, 1-based): chr2:166,037,835, C deleted on the plus strand (G on the coding strand, the reverse complement: SCN1A is on the minus strand). VCF-style (leftmost placement, unchanged base first): chr2-166037834-GC-G. GRCh37 (hg19) VCF-style: chr2-166894344-GC-G.
Other names: c.2803del, p.Ala935fs (NM_001165964.3, NM_001353957.2, NM_001353958.2); c.2887del, p.Ala963fs (NM_001202435.3, NM_001353948.2); c.2854del, p.Ala952fs (NM_001353949.2, NM_001353950.2, NM_001353951.2 and 2 more transcripts); c.2851del, p.Ala951fs (NM_001353954.2, NM_001353955.2); c.2800del, p.Ala934fs (NM_001353960.2); c.445del, p.Ala149fs (NM_001353961.2); short protein forms A149fs, A934fs, A935fs, A951fs, A952fs, A963fs.
Identifiers: ClinVar variation 1073267 (VCV001073267.8), dbSNP rs2105805934, ClinGen allele CA2499215184.